The following is an entry in ClinVar:

NM_000231.3(SGCG):c.379A>C (p.Lys127Gln)

Gene: SGCG (sarcoglycan gamma; plus strand). Cytogenetic location: 13q12.12.
Variant type: single nucleotide variant.
Coding change: c.379A>C on transcript NM_000231.3 (MANE Select); coding-DNA position 379, A replaced by C.
Protein change: p.Lys127Gln; replaces lysine 127 with glutamine.
Molecular consequence: missense variant.
Genome position (GRCh38, 1-based): chr13:23,250,711, A>C. VCF-style: chr13-23250711-A-C. GRCh37 (hg19) VCF-style: chr13-23824850-A-C.
Other names: c.433A>C, p.Lys145Gln (NM_001378244.1); c.379A>C, p.Lys127Gln (NM_001378245.1, NM_001378246.1); short protein forms K145Q, K127Q.
Identifiers: ClinVar variation 2065576 (VCV002065576.4), dbSNP rs368149615, ClinGen allele CA6909658.

ClinVar aggregate classification (germline): Uncertain significance. Review status: criteria provided, multiple submitters, no conflicts (2 of 4 stars). 4 submissions from 4 submitters: Uncertain significance (4). Last evaluated 2025-08-07.

Conditions:
Inborn genetic diseases. Identifiers: MedGen C0950123, MeSH D030342.
Autosomal recessive limb-girdle muscular dystrophy type 2C (LGMDR5). Also called: MUSCULAR DYSTROPHY, LIMB-GIRDLE, AUTOSOMAL RECESSIVE 5; MUSCULAR DYSTROPHY, DUCHENNE-LIKE. Identifiers: Orphanet 353, MedGen C0410173, MONDO:0009677, OMIM 253700. Disease mechanism: Affects gamma-sarcoglycan and also disrupts the integrity of the entire sarcoglycan complex..

Allele frequency attached by ClinVar (database versions not stated): gnomAD exomes 0.00002; ExAC 0.00004; gnomAD 0.00013; ESP Exome Variant Server 0.00015; TOPMed 0.00017.
gnomAD v4.1: 43 of 1,599,278 alleles (0.0027%); highest among the groups gnomAD compares: African/African-American, 0.051%; no homozygotes.

Submissions (4):

Myriad Genetics, Inc.
Classification: Uncertain significance for Autosomal recessive limb-girdle muscular dystrophy type 2C. Last evaluated: 2025-08-07. Review status: criteria provided, single submitter. Criteria: Myriad Autosomal Dominant, Autosomal Recessive and X-Linked Classification Criteria (2023). Collection method: clinical testing. Allele origin: unknown.
Comment: NM_000231.2(SGCG):c.379A>C(K127Q) is a missense variant classified as a variant of uncertain significance in the context of gamma-sarcoglycanopathy. K127Q has not been observed in cases with relevant disease. Relevant functional assessments of this variant are not available in the literature. K127Q has been observed in referenced population frequency databases. In summary, there is insufficient evidence to classify NM_000231.2(SGCG):c.379A>C(K127Q) as pathogenic or benign. Please note: this variant was assessed in the context of healthy population screening.

Revvity Omics, Revvity
Classification: Uncertain significance for Autosomal recessive limb-girdle muscular dystrophy type 2C. Last evaluated: 2025-05-30. Review status: criteria provided, single submitter. Criteria: ACMG Guidelines, 2015. Collection method: clinical testing. Allele origin: germline.

Ambry Genetics
Classification: Uncertain significance for Inborn genetic diseases. Last evaluated: 2024-06-26. Review status: criteria provided, single submitter. Criteria: Ambry Variant Classification Scheme 2023. Collection method: clinical testing. Allele origin: germline.

Labcorp Genetics (formerly Invitae), Labcorp
Classification: Uncertain significance for Autosomal recessive limb-girdle muscular dystrophy type 2C. Last evaluated: 2022-06-02. Review status: criteria provided, single submitter. Criteria: Invitae Variant Classification Sherloc (09022015). Collection method: clinical testing. Allele origin: germline.
Comment: This sequence change replaces lysine, which is basic and polar, with glutamine, which is neutral and polar, at codon 127 of the SGCG protein (p.Lys127Gln). This variant is present in population databases (rs368149615, gnomAD 0.04%). This variant has not been reported in the literature in individuals affected with SGCG-related conditions. Algorithms developed to predict the effect of missense changes on protein structure and function (SIFT, PolyPhen-2, Align-GVGD) all suggest that this variant is likely to be tolerated. In summary, the available evidence is currently insufficient to determine the role of this variant in disease. Therefore, it has been classified as a Variant of Uncertain Significance.